The following is an entry in ClinVar:

NM_003640.5(ELP1):c.2387T>C (p.Met796Thr)

Gene: ELP1 (elongator acetyltransferase complex subunit 1; minus strand). Cytogenetic location: 9q31.3.
Variant type: single nucleotide variant.
Coding change: c.2387T>C on transcript NM_003640.5 (MANE Select); coding-DNA position 2387, T replaced by C.
Protein change: p.Met796Thr; replaces methionine 796 with threonine.
Molecular consequence: missense variant.
Genome position (GRCh38, 1-based): chr9:108,897,262, A>G on the plus strand (T>C on the coding strand, the complement: ELP1 is on the minus strand). VCF-style: chr9-108897262-A-G. GRCh37 (hg19) VCF-style: chr9-111659542-A-G.
Other names: c.2045T>C, p.Met682Thr (NM_001318360.2); c.1340T>C, p.Met447Thr (NM_001330749.2); short protein forms M447T, M682T, M796T.
Identifiers: ClinVar variation 1799945 (VCV001799945.6), dbSNP rs377728941, ClinGen allele CA5174653.
Genomic context (GRCh38, chr9:108,897,262, plus strand): 5'-ATTTTATTCCCGTCAGGATCCCTGGACAGGTAGACACTGCTGGTAACTGGTGCAGGGTAC[A>G]TGGTCTTCGTGACATCTTCTTCTCTAAGAACAGGTGTGTATGGAATGGTCATCAACAGAA-3'
Protein context (NP_003631.2, residues 786-806): ELKEEDVTKT[Met796Thr]YPAPVTSSVY

ClinVar aggregate classification (germline): Uncertain significance. Review status: criteria provided, multiple submitters, no conflicts (2 of 4 stars). 2 submissions from 2 submitters: Uncertain significance (2). Last evaluated 2024-11-03.

Allele frequency attached by ClinVar (database versions not stated): ExAC 0.00001; gnomAD 0.00001; gnomAD exomes 0.00001; TOPMed 0.00003; ESP Exome Variant Server 0.00008.
gnomAD v4.1: 8 of 1,614,040 alleles (0.0005%); highest among the groups gnomAD compares: African/African-American, 0.0027%; no homozygotes.

Submissions (2):

Labcorp Genetics (formerly Invitae), Labcorp
Classification: Uncertain significance. Last evaluated: 2024-11-03. Review status: criteria provided, single submitter. Criteria: Invitae Variant Classification Sherloc (09022015). Collection method: clinical testing. Allele origin: germline.
Comment: This sequence change replaces methionine, which is neutral and non-polar, with threonine, which is neutral and polar, at codon 796 of the ELP1 protein (p.Met796Thr). This variant is present in population databases (rs377728941, gnomAD 0.008%). This variant has not been reported in the literature in individuals affected with ELP1-related conditions. ClinVar contains an entry for this variant (Variation ID: 1799945). Invitae Evidence Modeling of protein sequence and biophysical properties (such as structural, functional, and spatial information, amino acid conservation, physicochemical variation, residue mobility, and thermodynamic stability) indicates that this missense variant is expected to disrupt ELP1 protein function with a positive predictive value of 80%. In summary, the available evidence is currently insufficient to determine the role of this variant in disease. Therefore, it has been classified as a Variant of Uncertain Significance.

Ambry Genetics
Classification: Uncertain significance. Last evaluated: 2020-06-23. Review status: criteria provided, single submitter. Criteria: Ambry Variant Classification Scheme 2023. Collection method: clinical testing. Allele origin: germline.
Comment: The p.M796T variant (also known as c.2387T>C), located in coding exon 22 of the IKBKAP gene, results from a T to C substitution at nucleotide position 2387. The methionine at codon 796 is replaced by threonine, an amino acid with similar properties. This amino acid position is highly conserved in available vertebrate species. In addition, this alteration is predicted to be deleterious by in silico analysis. Since supporting evidence is limited at this time, the clinical significance of this alteration remains unclear.